The following is an entry in ClinVar:

ClinVar aggregate classification (germline): Likely benign (1 of 4 stars; one submission).

Submission:

CeGaT Center for Human Genetics Tuebingen
Classification: Likely benign. Last evaluated: 2026-08-01. Review status: criteria provided, single submitter. Criteria: CeGaT Center For Human Genetics Tuebingen Variant Classification Criteria Version 2. Collection method: clinical testing. Allele origin: germline. Affected: yes. Observed: 13 variant alleles.
Comment: NLGN4X: BP4, BP7

NM_181332.3(NLGN4X):c.1777_1779delinsTTG (p.Leu593=)

Gene: NLGN4X (neuroligin 4 X-linked; minus strand). Cytogenetic location: Xp22.32.
Variant type: Indel.
Coding change: c.1777_1779delinsTTG on transcript NM_181332.3 (MANE Select); coding-DNA positions 1777 to 1779, CTC replaced by TTG.
Protein change: p.Leu593=; no amino-acid change (leucine 593 retained).
Molecular consequence: synonymous variant.
Genome position (GRCh38, 1-based): chrX:5,893,489-5,893,491, GAG replaced by CAA on the plus strand (CTC replaced by TTG on the coding strand, the reverse complement: NLGN4X is on the minus strand). VCF-style: chrX-5893489-GAG-CAA. GRCh37 (hg19) VCF-style: chrX-5811530-GAG-CAA.
Other names: c.1777_1779delinsTTG, p.Leu593= (NM_001282145.2, NM_001282146.2, NM_001441322.1 and 4 more transcripts).
Identifiers: ClinVar variation 4874556 (VCV004874556.2).